The following is an entry in ClinVar:

NM_024854.5(PYROXD1):c.1279G>C (p.Ala427Pro)

Gene: PYROXD1 (pyridine nucleotide-disulphide oxidoreductase domain 1; plus strand). Cytogenetic location: 12p12.1.
Variant type: single nucleotide variant.
Coding change: c.1279G>C on transcript NM_024854.5 (MANE Select); coding-DNA position 1279, G replaced by C.
Protein change: p.Ala427Pro; replaces alanine 427 with proline.
Molecular consequence: missense variant.
Genome position (GRCh38, 1-based): chr12:21,468,530, G>C. VCF-style: chr12-21468530-G-C. GRCh37 (hg19) VCF-style: chr12-21621464-G-C.
Other names: c.1066G>C, p.Ala356Pro (NM_001350912.2); c.502G>C, p.Ala168Pro (NM_001350913.2); short protein forms A356P, A168P, A427P.
Identifiers: ClinVar variation 1394732 (VCV001394732.8), dbSNP rs1193283089, ClinGen allele CA384112015.

ClinVar aggregate classification (germline): Uncertain significance (1 of 4 stars; one submission).

Allele frequency attached by ClinVar (database versions not stated): gnomAD exomes below 0.00001; gnomAD 0.00001.
gnomAD v4.1: 3 of 1,612,420 alleles (0.00019%); highest among the groups gnomAD compares: African/African-American, 0.004%; no homozygotes.

Submission:

Labcorp Genetics (formerly Invitae), Labcorp
Classification: Uncertain significance. Last evaluated: 2021-05-12. Review status: criteria provided, single submitter. Criteria: Invitae Variant Classification Sherloc (09022015). Collection method: clinical testing. Allele origin: germline.
Comment: This sequence change replaces alanine with proline at codon 427 of the PYROXD1 protein (p.Ala427Pro). The alanine residue is moderately conserved and there is a small physicochemical difference between alanine and proline. In summary, the available evidence is currently insufficient to determine the role of this variant in disease. Therefore, it has been classified as a Variant of Uncertain Significance. Algorithms developed to predict the effect of missense changes on protein structure and function (SIFT, PolyPhen-2, Align-GVGD) all suggest that this variant is likely to be tolerated, but these predictions have not been confirmed by published functional studies and their clinical significance is uncertain. This variant has not been reported in the literature in individuals with PYROXD1-related conditions. This variant is not present in population databases (ExAC no frequency).